The following continues an entry in ClinVar:

NM_138694.4(PKHD1):c.274C>T (p.Arg92Trp)

Gene: PKHD1. ClinVar aggregate classification (germline): Conflicting classifications of pathogenicity. Pathogenic (8); Likely pathogenic (6); Uncertain significance (1).

Submissions 12 to 15 of 15:

Laboratory of Molecular Genetics, Children's Memorial Health Institute
Classification: Likely pathogenic for Polycystic kidney disease 4. Last evaluated: 2020-09-25. Review status: criteria provided, single submitter. Criteria: ACMG Guidelines, 2015. Collection method: clinical testing. Allele origin: unknown. Inheritance: Autosomal recessive inheritance. Affected: yes. Observed: 3 compound heterozygotes. Clinical features observed: Polycystic kidney disease (HP:0000113), Hepatic fibrosis (HP:0001395), Cholangitis (HP:0030151), Renal insufficiency (HP:0000083), Portal hypertension (HP:0001409), Hepatic cysts (HP:0001407).

Victorian Clinical Genetics Services, Murdoch Childrens Research Institute
Classification: Pathogenic for Polycystic kidney disease 4. Last evaluated: 2018-11-23. Review status: criteria provided, single submitter. Criteria: ACMG Guidelines, 2015. Collection method: clinical testing. Allele origin: unknown. Affected: yes.
Comment: A heterozygous missense variant, NM_138694.3(PKHD1):c.274C>T, has been identified in exon 4 of 67 of the PKHD1 gene. The variant is predicted to result in a major amino acid change from arginine to tryptophan at position 92 of the protein (NP_619639.3(PKHD1):p.(Arg92Trp)). The arginine residue at this position has low conservation (100 vertebrates, UCSC), and is located within the IPT functional domain. In silico predictions of pathogenicity for this variant are conflicting (Polyphen, SIFT, CADD, Mutation Taster). The variant is present in the gnomAD database at a frequency of 0.001% (3 heterozygotes, 0 homozygotes). An alternative residue change, p.(Arg92Gln) has been reported in the gnomAD database at a frequency of 0.07% (182 heterozygotes, 1 homozygote). The p.(Arg92Trp) variant has been previously described as pathogenic and segregated with disease in multiple families with Polycystic kidney disease (ClinVar, Gunay-Aygun, M. et al. (2010), Xu, Y. et al. (2014), Byun, YJ. et al. (2015), Schueler, M. et al (2016), PKHD1 Database). A different variant affecting the same amino acid resulting in a change to glycine has also been shown to cause Polycystic kidney disease (Bergmann, C. et al. (2005)). Based on the information available at the time of curation, this variant has been classified as PATHOGENIC.

Eurofins Ntd Llc (ga)
Classification: Uncertain significance. Last evaluated: 2016-03-28. Review status: criteria provided, single submitter. Criteria: EGL Classification Definitions 2015. Collection method: clinical testing. Allele origin: germline. Observed: 1 variant allele, 1 heterozygote.

Baylor Genetics
Classification: Likely pathogenic for Polycystic kidney disease 4. Review status: criteria provided, single submitter. Criteria: ACMG Guidelines, 2015. Collection method: clinical testing. Allele origin: germline.

Literature cited by the submitters: PubMed 19914852 (cited by 5 submitters); PubMed 25153916 (cited by 5 submitters); PubMed 32384486 (cited by 4 submitters); PubMed 32939031 (cited by 4 submitters); PubMed 33123899 (cited by Labcorp Genetics (formerly Invitae), Labcorp); PubMed 32040628 (cited by Natera, Inc.); PubMed 26673778 (cited by Ambry Genetics); PubMed 33282801 (cited by Ambry Genetics and Women's Health and Genetics/Laboratory Corporation of America, LabCorp); PubMed 34536170 (cited by Ambry Genetics and Women's Health and Genetics/Laboratory Corporation of America, LabCorp); PubMed 15698423 (cited by 3billion).